The following is an entry in ClinVar:

NM_017780.4(CHD7):c.5060C>T (p.Ala1687Val)

Gene: CHD7 (chromodomain helicase DNA binding protein 7; plus strand). Cytogenetic location: 8q12.2.
Variant type: single nucleotide variant.
Coding change: c.5060C>T on transcript NM_017780.4 (MANE Select); coding-DNA position 5060, C replaced by T.
Protein change: p.Ala1687Val; replaces alanine 1687 with valine.
Molecular consequence: missense variant. On other transcripts: intron variant (1).
Genome position (GRCh38, 1-based): chr8:60,845,259, C>T. VCF-style: chr8-60845259-C-T. GRCh37 (hg19) VCF-style: chr8-61757818-C-T.
Other names: c.1717-16970C>T (NM_001316690.1); short protein forms A1687V.
Identifiers: ClinVar variation 4879486 (VCV004879486.1).

ClinVar aggregate classification (germline): Uncertain significance (1 of 4 stars; one submission).

Conditions:
CHD7-related CHARGE syndrome. Identifiers: MedGen CN380413, MONDO:1010178, OMIM 214800.

Submission:

Clinical Genomics Laboratory, Washington University in St. Louis
Classification: Uncertain significance for CHD7-related CHARGE syndrome. Last evaluated: 2026-01-29. Review status: criteria provided, single submitter. Criteria: ACMG Guidelines, 2015. Collection method: clinical testing. Allele origin: germline.
Comment: The CHD7 c.5060C>T (p.Ala1687Val) variant, to our knowledge, has not been reported in the medical literature and is absent from the general population (gnomAD v4.1.0), indicating it is not a common variant. Computational predictors are uncertain as to the impact of this variant on CHD7 function. Due to limited information, and based on ACMG/AMP guidelines for variant interpretation (Richards S et al., PMID: 25741868), the clinical significance of this variant is uncertain at this time.